The following is an entry in ClinVar:

NM_001369.3(DNAH5):c.799-269_1072del

Gene: DNAH5 (dynein axonemal heavy chain 5; minus strand). Cytogenetic location: 5p15.2.
Variant type: Deletion.
Coding change: c.799-269_1072del on transcript NM_001369.3 (MANE Select); 269 bases into the intron before coding-DNA position 799 through coding-DNA position 1072, 2,462 bases deleted.
Molecular consequence: splice acceptor variant, splice donor variant.
Genome position (GRCh38, 1-based): chr5:13,917,160-13,919,621, 2,462 bases deleted. GRCh37 (hg19): chr5:13,917,269-13,919,730.
Identifiers: ClinVar variation 407251 (VCV000407251.1), ClinGen allele CA16611825.

ClinVar aggregate classification (germline): Likely pathogenic (1 of 4 stars; one submission).

Conditions:
Primary ciliary dyskinesia. Also called: Ciliary dyskinesia. Identifiers: Orphanet 244, MedGen C0008780, MONDO:0016575, HP:0012265.

Submission:

Labcorp Genetics (formerly Invitae), Labcorp
Classification: Likely pathogenic for Primary ciliary dyskinesia. Last evaluated: 2016-11-19. Review status: criteria provided, single submitter. Criteria: Invitae Variant Classification Sherloc (09022015). Collection method: clinical testing. Allele origin: germline.
Comment: This sequence change is a gross deletion of the genomic region involving exons 7-8 of the DNAH5 gene. This deletion removes all of exon 7 and most of exon 8. While it is uncertain how this deletion affects mRNA splicing, it is expected to result in a disrupted DNAH5 protein with an in-frame deletion of ~97 amino acids. This variant has not been reported in the literature in an individual with a DNAH5-related disease. Experimental studies and prediction algorithms are not available for this variant, and the functional significance of the deleted region is currently unknown. While it is currently unknown if these two variants are on the same or opposite chromosomes, this observation suggests that this deletion may contribute to the cause of disease. The evidence indicates that the variant is pathogenic, but additional data is needed to prove that conclusively. Therefore, this variant has been classified as Likely Pathogenic.